The following is an entry in ClinVar:

NM_052845.4(MMAB):c.88C>T (p.Pro30Ser)

Genes: MMAB (metabolism of cobalamin associated B; minus strand), MVK (mevalonate kinase; plus strand). Cytogenetic location: 12q24.11.
Variant type: single nucleotide variant.
Coding change: c.88C>T on transcript NM_052845.4 (MANE Select); coding-DNA position 88, C replaced by T.
Protein change: p.Pro30Ser; replaces proline 30 with serine.
Molecular consequence: missense variant. On other transcripts: non-coding transcript variant (1).
Genome position (GRCh38, 1-based): chr12:109,573,393, G>A on the plus strand (C>T on the coding strand, the complement: MMAB is on the minus strand). VCF-style: chr12-109573393-G-A. GRCh37 (hg19) VCF-style: chr12-110011198-G-A.
Other names: c.88C>T (NM_052845.3); short protein forms P30S.
Identifiers: ClinVar variation 2585574 (VCV002585574.3), dbSNP rs550461600, ClinGen allele CA6779065.

ClinVar aggregate classification (germline): Uncertain significance. Review status: criteria provided, multiple submitters, no conflicts (2 of 4 stars). 3 submissions from 3 submitters: Uncertain significance (3). Last evaluated 2024-08-12.

Conditions:
Methylmalonic aciduria, cblB type (MACB). Also called: Methylmalonic acidemia cblB type; Vitamin B12-responsive methylmalonic acidemia type cblB; METHYLMALONIC ACIDURIA, VITAMIN B12-RESPONSIVE, DUE TO DEFECT IN SYNTHESIS OF ADENOSYLCOBALAMIN, cblB TYPE. Identifiers: Orphanet 28, Orphanet 79311, MedGen C1855102, MONDO:0009614, OMIM 251110.
Inborn genetic diseases. Identifiers: MedGen C0950123, MeSH D030342.

Allele frequency attached by ClinVar (database versions not stated): gnomAD 0.00002; ExAC 0.00006; 1000 Genomes Project 0.00020; 1000 Genomes Project 30x 0.00031.
gnomAD v4.1: 26 of 1,612,352 alleles (0.0016%); highest among the groups gnomAD compares: South Asian, 0.024%; no homozygotes.

Submissions (3):

Ambry Genetics
Classification: Uncertain significance for Inborn genetic diseases. Last evaluated: 2024-08-12. Review status: criteria provided, single submitter. Criteria: Ambry Variant Classification Scheme 2023. Collection method: clinical testing. Allele origin: germline.

Fulgent Genetics
Classification: Uncertain significance for Methylmalonic aciduria, cblB type. Last evaluated: 2024-05-13. Review status: criteria provided, single submitter. Criteria: ACMG Guidelines, 2015. Collection method: clinical testing. Allele origin: germline.

Neuberg Centre For Genomic Medicine, NCGM
Classification: Uncertain significance for Methylmalonic aciduria, cblB type. Review status: criteria provided, single submitter. Criteria: ACMG Guidelines, 2015. Collection method: clinical testing. Allele origin: germline. Inheritance: Autosomal recessive inheritance. Affected: yes.
Comment: The missense variant in c.88C>T (p.Pro30Ser) in MMAB gene has not been reported previously as a pathogenic variant nor as a benign variant, to our knowledge. This variant has not been reported to the ClinVar database. This variant has been submitted allele frequency 0.0045 % in the gnomAD and novel in 1000 genome database. The amino acid Pro at position 30 is changed to a Ser changing protein sequence and it might alter its composition and physicochemical properties. For these reasons, this variant has been classified as Uncertain Significance (VUS).